The following is an entry in ClinVar:

NM_024675.4(PALB2):c.2508C>T (p.Val836=)

Gene: PALB2 (partner and localizer of BRCA2; minus strand). Cytogenetic location: 16p12.2.
Variant type: single nucleotide variant.
Coding change: c.2508C>T on transcript NM_024675.4 (MANE Select); coding-DNA position 2508, C replaced by T.
Protein change: p.Val836=; no amino-acid change (valine 836 retained).
Molecular consequence: synonymous variant.
Genome position (GRCh38, 1-based): chr16:23,629,646, G>A on the plus strand (C>T on the coding strand, the complement: PALB2 is on the minus strand). VCF-style: chr16-23629646-G-A. GRCh37 (hg19) VCF-style: chr16-23640967-G-A.
Identifiers: ClinVar variation 241545 (VCV000241545.24), dbSNP rs786203603, ClinGen allele CA10583362.

ClinVar aggregate classification (germline): Benign/Likely benign. Review status: criteria provided, multiple submitters, no conflicts (2 of 4 stars). 7 submissions from 7 submitters: Benign (1); Likely benign (4). 2 of the submissions do not count toward it. Last evaluated 2026-01-31.

Conditions:
PALB2-related disorder. Also called: PALB2-related condition; PALB2-related disorders.
Hereditary cancer-predisposing syndrome. Also called: Tumor predisposition; Neoplastic Syndromes, Hereditary; Hereditary Cancer Syndrome; Hereditary neoplastic syndrome. Identifiers: Orphanet 140162, MedGen C0027672, MeSH D009386, MONDO:0015356.
Familial cancer of breast. Also called: Hereditary breast cancer; BREAST CANCER, FAMILIAL; hereditary breast carcinoma. Identifiers: Orphanet 227535, MedGen C0346153, MONDO:0016419, OMIM 114480. Disease mechanism: loss of function.

gnomAD v4.1: 21 of 1,613,698 alleles (0.0013%); highest among the groups gnomAD compares: Middle Eastern, 0.016%; no homozygotes.

Submissions (7):

Labcorp Genetics (formerly Invitae), Labcorp
Classification: Likely benign for Familial cancer of breast. Last evaluated: 2026-01-31. Review status: criteria provided, single submitter. Criteria: Invitae Variant Classification Sherloc (09022015). Collection method: clinical testing. Allele origin: germline.

Center for Genomic Medicine, Rigshospitalet, Copenhagen University Hospital
Classification: Likely benign. Last evaluated: 2025-03-04. Review status: criteria provided, single submitter. Criteria: ACMG Guidelines, 2015. Collection method: clinical testing. Allele origin: germline.

Myriad Genetics, Inc.
Classification: Benign for Familial cancer of breast. Last evaluated: 2025-01-16. Review status: criteria provided, single submitter. Criteria: Myriad Autosomal Dominant, Autosomal Recessive and X-Linked Classification Criteria (2023). Collection method: clinical testing. Allele origin: unknown.
Comment: This variant is considered benign. This variant is a silent/synonymous amino acid change and it is not expected to impact splicing.

Color Diagnostics, LLC DBA Color Health
Classification: Likely benign for Hereditary cancer-predisposing syndrome. Last evaluated: 2018-07-17. Review status: criteria provided, single submitter. Criteria: ACMG Guidelines, 2015. Collection method: clinical testing. Allele origin: germline.

Ambry Genetics
Classification: Likely benign for Hereditary cancer-predisposing syndrome. Last evaluated: 2016-06-02. Review status: criteria provided, single submitter. Criteria: Ambry Variant Classification Scheme 2023. Collection method: clinical testing. Allele origin: germline.

PreventionGenetics, part of Exact Sciences
Classification: Likely benign for PALB2-related condition. Last evaluated: 2023-04-13. Review status: no assertion criteria provided. Collection method: clinical testing. Allele origin: germline. Not counted in ClinVar's aggregate classification.
Comment: This variant is classified as likely benign based on ACMG/AMP sequence variant interpretation guidelines (Richards et al. 2015 PMID: 25741868, with internal and published modifications).

Leiden Open Variation Database
Classification: Benign. Last evaluated: 2018-10-10. Review status: no assertion criteria provided. Collection method: curation. Allele origin: germline. Affected: yes. Not counted in ClinVar's aggregate classification.
Comment: Curators: Marc Tischkowitz, Arleen D. Auerbach. Submitter to LOVD: Yukihide Momozawa.

Literature cited by the submitters: PubMed 30287823 (cited by Leiden Open Variation Database).